The following is an entry in ClinVar:

ClinVar aggregate classification (germline): Uncertain significance (1 of 4 stars; one submission).

Conditions:
Developmental and epileptic encephalopathy, 11 (DEE11). Also called: Early infantile epileptic encephalopathy 11. Identifiers: Orphanet 1934, MedGen C3150987, MONDO:0013388, OMIM 613721.
Seizures, benign familial infantile, 3 (BFIS3). Also called: Familial neonatal seizures; CONVULSIONS, BENIGN FAMILIAL INFANTILE, 3. Identifiers: Orphanet 140927, Orphanet 306, MedGen C1843140, MONDO:0011904, OMIM 607745.

Allele frequency attached by ClinVar (database versions not stated): gnomAD exomes below 0.00001; TOPMed 0.00001.
gnomAD v4.1: 1 of 1,613,900 alleles (0.000062%); highest among the groups gnomAD compares: Non-Finnish European, 0.000085%; no homozygotes.

Submission:

Labcorp Genetics (formerly Invitae), Labcorp
Classification: Uncertain significance for Seizures, benign familial infantile, 3; Developmental and epileptic encephalopathy, 11. Last evaluated: 2022-05-19. Review status: criteria provided, single submitter. Criteria: Invitae Variant Classification Sherloc (09022015). Collection method: clinical testing. Allele origin: germline.
Comment: In summary, the available evidence is currently insufficient to determine the role of this variant in disease. Therefore, it has been classified as a Variant of Uncertain Significance. Algorithms developed to predict the effect of missense changes on protein structure and function output the following: SIFT: "Tolerated"; PolyPhen-2: "Benign"; Align-GVGD: "Class C0". The threonine amino acid residue is found in multiple mammalian species, which suggests that this missense change does not adversely affect protein function. This variant has not been reported in the literature in individuals affected with SCN2A-related conditions. This variant is not present in population databases (gnomAD no frequency). This sequence change replaces isoleucine, which is neutral and non-polar, with threonine, which is neutral and polar, at codon 1910 of the SCN2A protein (p.Ile1910Thr).

NM_001040142.2(SCN2A):c.5729T>C (p.Ile1910Thr)

Gene: SCN2A (sodium voltage-gated channel alpha subunit 2; plus strand). Cytogenetic location: 2q24.3.
Variant type: single nucleotide variant.
Coding change: c.5729T>C on transcript NM_001040142.2 (MANE Select); coding-DNA position 5729, T replaced by C.
Protein change: p.Ile1910Thr; replaces isoleucine 1910 with threonine.
Molecular consequence: missense variant.
Genome position (GRCh38, 1-based): chr2:165,389,535, T>C. VCF-style: chr2-165389535-T-C. GRCh37 (hg19) VCF-style: chr2-166246045-T-C.
Other names: c.5729T>C, p.Ile1910Thr (NM_001040143.2, NM_001371246.1, NM_001371247.1 and 1 more transcripts); short protein forms I1910T.
Identifiers: ClinVar variation 2183267 (VCV002183267.4), dbSNP rs1702042924, ClinGen allele CA349040029.
Genomic context (GRCh38, chr2:165,389,535, plus strand): 5'-AAGTCTCTTATGAGCCCATTACGACCACGTTGAAACGCAAACAAGAGGAGGTGTCTGCTA[T>C]TATTATCCAGAGGGCTTACAGACGCTACCTCTTGAAGCAAAAAGTTAAAAAGGTATCAAG-3'
Protein context (NP_001035232.1, residues 1900-1920): LKRKQEEVSA[Ile1910Thr]IIQRAYRRYL